The following is an entry in ClinVar:

NM_003640.5(ELP1):c.1881G>T (p.Arg627Ser)

Gene: ELP1 (elongator acetyltransferase complex subunit 1; minus strand). Cytogenetic location: 9q31.3.
Variant type: single nucleotide variant.
Coding change: c.1881G>T on transcript NM_003640.5 (MANE Select); coding-DNA position 1881, G replaced by T.
Protein change: p.Arg627Ser; replaces arginine 627 with serine.
Molecular consequence: missense variant.
Genome position (GRCh38, 1-based): chr9:108,901,655, C>A on the plus strand (G>T on the coding strand, the complement: ELP1 is on the minus strand). VCF-style: chr9-108901655-C-A. GRCh37 (hg19) VCF-style: chr9-111663935-C-A.
Other names: c.1539G>T, p.Arg513Ser (NM_001318360.2); c.834G>T, p.Arg278Ser (NM_001330749.2); short protein forms R278S, R513S, R627S.
Identifiers: ClinVar variation 1937936 (VCV001937936.5), dbSNP rs1828814820, ClinGen allele CA374424901.
Genomic context (GRCh38, chr9:108,901,655, plus strand): 5'-AAAAGGATCCAACACCAAACCAAGCCTTGATACCTCAATGTCATTGATGAAAAAGCGACA[C>A]CTGTCAGTCAGACCAAGGACACATTCCTGCAAAGAAATAAAACTGAAATCACAAGCAATT-3'
Protein context (NP_003631.2, residues 617-637): EEECVLGLTD[Arg627Ser]CRFFINDIEV

ClinVar aggregate classification (germline): Uncertain significance (1 of 4 stars; one submission).

Submission:

Labcorp Genetics (formerly Invitae), Labcorp
Classification: Uncertain significance. Last evaluated: 2022-01-23. Review status: criteria provided, single submitter. Criteria: Invitae Variant Classification Sherloc (09022015). Collection method: clinical testing. Allele origin: germline.
Comment: This sequence change replaces arginine, which is basic and polar, with serine, which is neutral and polar, at codon 627 of the ELP1 protein (p.Arg627Ser). This variant is not present in population databases (gnomAD no frequency). This variant has not been reported in the literature in individuals affected with ELP1-related conditions. Algorithms developed to predict the effect of missense changes on protein structure and function are either unavailable or do not agree on the potential impact of this missense change (SIFT: "Tolerated"; PolyPhen-2: "Probably Damaging"; Align-GVGD: "Class C0"). In summary, the available evidence is currently insufficient to determine the role of this variant in disease. Therefore, it has been classified as a Variant of Uncertain Significance.